The following is an entry in ClinVar:

NM_000214.3(JAG1):c.635G>A (p.Cys212Tyr)

Gene: JAG1 (jagged canonical Notch ligand 1; minus strand). Cytogenetic location: 20p12.2.
Variant type: single nucleotide variant.
Coding change: c.635G>A on transcript NM_000214.3 (MANE Select); coding-DNA position 635, G replaced by A.
Protein change: p.Cys212Tyr; replaces cysteine 212 with tyrosine.
Molecular consequence: missense variant.
Genome position (GRCh38, 1-based): chr20:10,658,527, C>T on the plus strand (G>A on the coding strand, the complement: JAG1 is on the minus strand). VCF-style: chr20-10658527-C-T. GRCh37 (hg19) VCF-style: chr20-10639175-C-T.
Other names: short protein forms C212Y.
Identifiers: ClinVar variation 2789336 (VCV002789336.3), dbSNP rs2514526468, ClinGen allele CA408240028.

ClinVar aggregate classification (germline): Uncertain significance (1 of 4 stars; one submission).

Conditions:
Alagille syndrome due to a JAG1 point mutation. Also called: JAG1-Related Alagille Syndrome; HEPATIC DUCTULAR HYPOPLASIA, SYNDROMATIC; Alagille Syndrome 1. Identifiers: Orphanet 261619, Orphanet 52, MedGen C1956125, MONDO:0016862, OMIM 118450.

Submission:

Labcorp Genetics (formerly Invitae), Labcorp
Classification: Uncertain significance for Alagille syndrome due to a JAG1 point mutation. Last evaluated: 2023-07-03. Review status: criteria provided, single submitter. Criteria: Invitae Variant Classification Sherloc (09022015). Collection method: clinical testing. Allele origin: germline.
Comment: In summary, the available evidence is currently insufficient to determine the role of this variant in disease. Therefore, it has been classified as a Variant of Uncertain Significance. This variant disrupts the p.Cys212 amino acid residue in JAG1. Other variant(s) that disrupt this residue have been determined to be pathogenic (Invitae). This suggests that this residue is clinically significant, and that variants that disrupt this residue are likely to be disease-causing. Advanced modeling of protein sequence and biophysical properties (such as structural, functional, and spatial information, amino acid conservation, physicochemical variation, residue mobility, and thermodynamic stability) performed at Invitae indicates that this missense variant is expected to disrupt JAG1 protein function. This variant has not been reported in the literature in individuals affected with JAG1-related conditions. This variant is not present in population databases (gnomAD no frequency). This sequence change replaces cysteine, which is neutral and slightly polar, with tyrosine, which is neutral and polar, at codon 212 of the JAG1 protein (p.Cys212Tyr).